The following is an entry in ClinVar:

ClinVar aggregate classification (germline): Uncertain significance (1 of 4 stars; one submission).

gnomAD v4.1: 31 of 1,613,884 alleles (0.0019%); highest among the groups gnomAD compares: Non-Finnish European, 0.0025%; no homozygotes.

Submission:

Labcorp Genetics (formerly Invitae), Labcorp
Classification: Uncertain significance. Last evaluated: 2023-08-17. Review status: criteria provided, single submitter. Criteria: Invitae Variant Classification Sherloc (09022015). Collection method: clinical testing. Allele origin: germline.
Comment: In summary, the available evidence is currently insufficient to determine the role of this variant in disease. Therefore, it has been classified as a Variant of Uncertain Significance. Advanced modeling of protein sequence and biophysical properties (such as structural, functional, and spatial information, amino acid conservation, physicochemical variation, residue mobility, and thermodynamic stability) performed at Invitae indicates that this missense variant is not expected to disrupt SRP54 protein function. This variant has not been reported in the literature in individuals affected with SRP54-related conditions. This variant is not present in population databases (gnomAD no frequency). This sequence change replaces methionine, which is neutral and non-polar, with leucine, which is neutral and non-polar, at codon 369 of the SRP54 protein (p.Met369Leu).

NM_003136.4(SRP54):c.1105A>T (p.Met369Leu)

Gene: SRP54 (signal recognition particle 54; plus strand). Cytogenetic location: 14q13.2.
Variant type: single nucleotide variant.
Coding change: c.1105A>T on transcript NM_003136.4 (MANE Select); coding-DNA position 1105, A replaced by T.
Protein change: p.Met369Leu; replaces methionine 369 with leucine.
Molecular consequence: missense variant.
Genome position (GRCh38, 1-based): chr14:35,019,023, A>T. VCF-style: chr14-35019023-A-T. GRCh37 (hg19) VCF-style: chr14-35488229-A-T.
Other names: c.958A>T, p.Met320Leu (NM_001146282.2); c.1105A>T, p.Met369Leu (NM_001411017.1); short protein forms M320L, M369L.
Identifiers: ClinVar variation 2753249 (VCV002753249.3), dbSNP rs753224082, ClinGen allele CA389447499.
Genomic context (GRCh38, chr14:35,019,023, plus strand): 5'-TAGGGGATGATCCCTGGTTTTGGGACAGATTTTATGAGCAAAGGAAATGAACAGGAGTCA[A>T]TGGCAAGGCTAAAGAAATTAATGACAATAATGGATAGTATGAATGATCAAGGTAAGATGG-3'
Protein context (NP_003127.1, residues 359-379): FMSKGNEQES[Met369Leu]ARLKKLMTIM